The following is an entry in ClinVar:

NM_000264.5(PTCH1):c.-20G>A

Genes: PTCH1 (patched 1; minus strand), LOC130002133 (ATAC-STARR-seq lymphoblastoid silent region 20071; plus strand). Cytogenetic location: 9q22.32.
Variant type: single nucleotide variant.
Coding change: c.-20G>A on transcript NM_000264.5 (MANE Select); 20 bases upstream of the start codon, G replaced by A.
Molecular consequence: 5 prime UTR variant. On other transcripts: non-coding transcript variant (1), intron variant (3).
Genome position (GRCh38, 1-based): chr9:95,508,381, C>T on the plus strand (G>A on the coding strand, the complement: PTCH1 is on the minus strand). VCF-style: chr9-95508381-C-T. GRCh37 (hg19) VCF-style: chr9-98270663-C-T.
Other names: c.-20G>A (NM_001354918.2); c.199-1782G>A (NM_001083603.3); c.4-1782G>A (NM_001083602.3, NM_001354919.2).
Identifiers: ClinVar variation 387235 (VCV000387235.2), dbSNP rs886742178, ClinGen allele CA16605926.

ClinVar aggregate classification (germline): Likely benign. Review status: criteria provided, multiple submitters, no conflicts (2 of 4 stars). 2 submissions from 2 submitters: Likely benign (2). Last evaluated 2023-07-07.

Conditions:
Gorlin syndrome. Also called: Nevoid Basal Cell Carcinoma Syndrome; Basal cell nevus syndrome. Identifiers: Orphanet 377, MedGen C0004779, MONDO:0007187.

Allele frequency attached by ClinVar (database versions not stated): TOPMed 0.00006.
gnomAD v4.1: 36 of 1,155,776 alleles (0.0031%); highest among the groups gnomAD compares: Middle Eastern, 0.035%; no homozygotes.

Submissions (2):

KCCC/NGS Laboratory, Kuwait Cancer Control Center
Classification: Likely benign for Basal cell nevus syndrome 1. Last evaluated: 2023-07-07. Review status: criteria provided, single submitter. Criteria: ACMG Guidelines, 2015. Collection method: clinical testing. Allele origin: germline. Affected: yes.

GeneDx
Classification: Likely benign. Last evaluated: 2016-06-27. Review status: criteria provided, single submitter. Criteria: GeneDx Variant Classification (06012015). Collection method: clinical testing. Allele origin: germline. Affected: yes.
Comment: This variant is considered likely benign or benign based on one or more of the following criteria: it is a conservative change, it occurs at a poorly conserved position in the protein, it is predicted to be benign by multiple in silico algorithms, and/or has population frequency not consistent with disease.